The following is an entry in ClinVar:

NM_001353921.2(ARHGEF9):c.271C>A (p.Leu91Met)

Gene: ARHGEF9 (Cdc42 guanine nucleotide exchange factor 9; minus strand). Cytogenetic location: Xq11.1.
Variant type: single nucleotide variant.
Coding change: c.271C>A on transcript NM_001353921.2 (MANE Select); coding-DNA position 271, C replaced by A.
Protein change: p.Leu91Met; replaces leucine 91 with methionine.
Molecular consequence: missense variant. On other transcripts: 5 prime UTR variant (3).
Genome position (GRCh38, 1-based): chrX:63,706,389, G>T on the plus strand (C>A on the coding strand, the complement: ARHGEF9 is on the minus strand). VCF-style: chrX-63706389-G-T. GRCh37 (hg19) VCF-style: chrX-62926269-G-T.
Other names: c.91C>A, p.Leu31Met (NM_001173479.2); c.-57C>A (NM_001173480.2, NM_001369042.1); c.187C>A, p.Leu63Met (NM_001330495.2, NM_001353927.2, NM_001369033.1 and 8 more transcripts); c.271C>A, p.Leu91Met (NM_001353922.2); c.289C>A, p.Leu97Met (NM_001353923.1); c.70C>A, p.Leu24Met (NM_001353924.2, NM_001353926.2, NM_001369039.1 and 1 more transcripts); c.250C>A, p.Leu84Met (NM_001353928.2, NM_001369030.1, NM_001369031.1 and 2 more transcripts); c.-433C>A (NM_001369045.1); short protein forms L24M, L31M, L63M, L97M, L84M, L91M.
Identifiers: ClinVar variation 1792365 (VCV001792365.7), dbSNP rs782765210, ClinGen allele CA10431968.

ClinVar aggregate classification (germline): Uncertain significance. Review status: criteria provided, multiple submitters, no conflicts (2 of 4 stars). 2 submissions from 2 submitters: Uncertain significance (2). Last evaluated 2026-01-04.

Conditions:
Inborn genetic diseases. Identifiers: MedGen C0950123, MeSH D030342.
Developmental and epileptic encephalopathy, 8 (DEE8). Also called: HYPEREKPLEXIA AND EPILEPSY. Identifiers: Orphanet 163985, Orphanet 2076, MedGen C1845102, MONDO:0010375, OMIM 300607.

Allele frequency attached by ClinVar (database versions not stated): gnomAD exomes below 0.00001; ExAC 0.00002.
gnomAD v4.1: 1 of 1,207,302 alleles (0.000083%); highest among the groups gnomAD compares: Non-Finnish European, 0.00011%; no homozygotes.

Submissions (2):

Labcorp Genetics (formerly Invitae), Labcorp
Classification: Uncertain significance for Developmental and epileptic encephalopathy, 8. Last evaluated: 2026-01-04. Review status: criteria provided, single submitter. Criteria: Invitae Variant Classification Sherloc (09022015). Collection method: clinical testing. Allele origin: germline.
Comment: This sequence change replaces leucine, which is neutral and non-polar, with methionine, which is neutral and non-polar, at codon 84 of the ARHGEF9 protein (p.Leu84Met). The frequency data for this variant in the population databases is considered unreliable, as metrics indicate poor data quality at this position in the gnomAD database. This variant has not been reported in the literature in individuals affected with ARHGEF9-related conditions. ClinVar contains an entry for this variant (Variation ID: 1792365). Invitae Evidence Modeling of protein sequence and biophysical properties (such as structural, functional, and spatial information, amino acid conservation, physicochemical variation, residue mobility, and thermodynamic stability) indicates that this missense variant is not expected to disrupt ARHGEF9 protein function with a negative predictive value of 95%. In summary, the available evidence is currently insufficient to determine the role of this variant in disease. Therefore, it has been classified as a Variant of Uncertain Significance.

Ambry Genetics
Classification: Uncertain significance for Inborn genetic diseases. Last evaluated: 2018-04-14. Review status: criteria provided, single submitter. Criteria: Ambry Variant Classification Scheme 2023. Collection method: clinical testing. Allele origin: germline.
Comment: The p.L84M variant (also known as c.250C>A), located in coding exon 3 of the ARHGEF9 gene, results from a C to A substitution at nucleotide position 250. The leucine at codon 84 is replaced by methionine, an amino acid with highly similar properties. This amino acid position is highly conserved in available vertebrate species. In addition, this alteration is predicted to be tolerated by in silico analysis. Since supporting evidence is limited at this time, the clinical significance of this alteration remains unclear.